The following is an entry in ClinVar:

ClinVar aggregate classification (germline): Likely benign. Review status: criteria provided, multiple submitters, no conflicts (2 of 4 stars). 6 submissions from 6 submitters: Likely benign (6). Last evaluated 2025-09-02.

Conditions:
Hereditary cancer-predisposing syndrome. Also called: Tumor predisposition; Hereditary neoplastic syndrome; Neoplastic Syndromes, Hereditary; Hereditary Cancer Syndrome. Identifiers: Orphanet 140162, MedGen C0027672, MeSH D009386, MONDO:0015356.
Hereditary breast ovarian cancer syndrome. Also called: Hereditary breast and ovarian cancer syndrome (HBOC); Hereditary breast and ovarian cancer; Hereditary breast and ovarian cancer syndrome; Breast and ovarian cancer; BRCA1- and BRCA2-Associated Hereditary Breast and Ovarian Cancer; Hereditary breast and/or ovarian cancer syndrome. Identifiers: Orphanet 145, MedGen C0677776, MeSH D061325, MONDO:0003582. Disease mechanism: loss of function.

Allele frequency attached by ClinVar (database versions not stated): gnomAD exomes below 0.00001.
gnomAD v4.1: 6 of 1,608,290 alleles (0.00037%); highest among the groups gnomAD compares: Non-Finnish European, 0.00051%; no homozygotes.

Submissions (6):

Quest Diagnostics Nichols Institute San Juan Capistrano
Classification: Likely benign. Last evaluated: 2025-09-02. Review status: criteria provided, single submitter. Criteria: Quest Diagnostics criteria. Collection method: clinical testing. Allele origin: unknown.

Labcorp Genetics (formerly Invitae), Labcorp
Classification: Likely benign for Hereditary breast ovarian cancer syndrome. Last evaluated: 2024-10-15. Review status: criteria provided, single submitter. Criteria: Invitae Variant Classification Sherloc (09022015). Collection method: clinical testing. Allele origin: germline.

Color Diagnostics, LLC DBA Color Health
Classification: Likely benign for Hereditary cancer-predisposing syndrome. Last evaluated: 2021-06-03. Review status: criteria provided, single submitter. Criteria: ACMG Guidelines, 2015. Collection method: clinical testing. Allele origin: germline.

Ambry Genetics
Classification: Likely benign for Hereditary cancer-predisposing syndrome. Last evaluated: 2020-01-31. Review status: criteria provided, single submitter. Criteria: Ambry Variant Classification Scheme 2023. Collection method: clinical testing. Allele origin: germline.

GeneDx
Classification: Likely benign. Last evaluated: 2017-06-06. Review status: criteria provided, single submitter. Criteria: GeneDx Variant Classification (06012015). Collection method: clinical testing. Allele origin: germline. Affected: yes.
Comment: This variant is considered likely benign or benign based on one or more of the following criteria: it is a conservative change, it occurs at a poorly conserved position in the protein, it is predicted to be benign by multiple in silico algorithms, and/or has population frequency not consistent with disease.

Breakthrough Genomics
Classification: Likely benign. Review status: criteria provided, single submitter. Criteria: ACMG Guidelines, 2015. Collection method: not provided. Allele origin: germline. Inheritance: Autosomal recessive inheritance. Affected: yes.

NM_000059.4(BRCA2):c.1455G>A (p.Lys485=)

Gene: BRCA2 (BRCA2 DNA repair associated; plus strand). Cytogenetic location: 13q13.1.
Variant type: single nucleotide variant.
Coding change: c.1455G>A on transcript NM_000059.4 (MANE Select); coding-DNA position 1455, G replaced by A.
Protein change: p.Lys485=; no amino-acid change (lysine 485 retained).
Molecular consequence: synonymous variant.
Genome position (GRCh38, 1-based): chr13:32,332,933, G>A. VCF-style: chr13-32332933-G-A. GRCh37 (hg19) VCF-style: chr13-32907070-G-A.
Identifiers: ClinVar variation 517945 (VCV000517945.16), dbSNP rs1555281913, ClinGen allele CA483436606.
Genomic context (GRCh38, chr13:32,332,933, plus strand): 5'-AAATAAGAGAGATGAAGAGCAGCATCTTGAATCTCATACAGACTGCATTCTTGCAGTAAA[G>A]CAGGCAATATCTGGAACTTCTCCAGTGGCTTCTTCATTTCAGGGTATCAAAAAGTCTATA-3'
Protein context (NP_000050.3, residues 475-495): ESHTDCILAV[Lys485=]QAISGTSPVA